The following is an entry in ClinVar:

ClinVar aggregate classification (germline): Likely benign (1 of 4 stars; one submission).

gnomAD v4.1: 1,251 of 1,613,022 alleles (0.078%); highest among the groups gnomAD compares: Middle Eastern, 0.99%; 4 homozygotes.

Submission:

CeGaT Center for Human Genetics Tuebingen
Classification: Likely benign. Last evaluated: 2024-10-01. Review status: criteria provided, single submitter. Criteria: CeGaT Center For Human Genetics Tuebingen Variant Classification Criteria Version 2. Collection method: clinical testing. Allele origin: germline. Affected: yes. Observed: 1 variant allele.
Comment: HEATR3: PM2, BP4, BS2

NM_182922.4(HEATR3):c.1010G>A (p.Arg337Lys)

Gene: HEATR3 (HEAT repeat containing 3; plus strand). Cytogenetic location: 16q12.1.
Variant type: single nucleotide variant.
Coding change: c.1010G>A on transcript NM_182922.4 (MANE Select); coding-DNA position 1010, G replaced by A.
Protein change: p.Arg337Lys; replaces arginine 337 with lysine.
Molecular consequence: missense variant. On other transcripts: non-coding transcript variant (2).
Genome position (GRCh38, 1-based): chr16:50,078,987, G>A. VCF-style: chr16-50078987-G-A. GRCh37 (hg19) VCF-style: chr16-50112898-G-A.
Other names: c.659G>A, p.Arg220Lys (NM_001329729.2, NM_001329730.2); c.317G>A, p.Arg106Lys (NM_001329731.2); short protein forms R106K, R220K, R337K.
Identifiers: ClinVar variation 3388412 (VCV003388412.14).